The following is an entry in ClinVar:

ClinVar aggregate classification (germline): Uncertain significance (1 of 4 stars; one submission).

Conditions:
Aicardi-Goutieres syndrome 7 (AGS7). Identifiers: Orphanet 51, MedGen C3888244, MONDO:0014367, OMIM 615846.
Singleton-Merten syndrome 1 (SGMRT1). Also called: Widened medullary cavities of bone, aortic calcification, abnormal dentition, and muscular weakness; Syndrome of widened medullary cavities of the metacarpals and phalanges, aortic calcification and abnormal dentition. Identifiers: Orphanet 85191, MedGen C4225427, MONDO:0024535, OMIM 182250.

Submission:

Labcorp Genetics (formerly Invitae), Labcorp
Classification: Uncertain significance for Aicardi-Goutieres syndrome 7; Singleton-Merten syndrome 1. Last evaluated: 2025-08-09. Review status: criteria provided, single submitter. Criteria: Invitae Variant Classification Sherloc (09022015). Collection method: clinical testing. Allele origin: germline.
Comment: This sequence change replaces aspartic acid, which is acidic and polar, with tyrosine, which is neutral and polar, at codon 543 of the IFIH1 protein (p.Asp543Tyr). This variant is not present in population databases (gnomAD no frequency). This variant has not been reported in the literature in individuals affected with IFIH1-related conditions. ClinVar contains an entry for this variant (Variation ID: 2002276). Invitae Evidence Modeling of protein sequence and biophysical properties (such as structural, functional, and spatial information, amino acid conservation, physicochemical variation, residue mobility, and thermodynamic stability) has been performed for this missense variant. However, the output from this modeling did not meet the statistical confidence thresholds required to predict the impact of this variant on IFIH1 protein function. In summary, the available evidence is currently insufficient to determine the role of this variant in disease. Therefore, it has been classified as a Variant of Uncertain Significance.

NM_022168.4(IFIH1):c.1627G>T (p.Asp543Tyr)

Gene: IFIH1 (interferon induced with helicase C domain 1; minus strand). Cytogenetic location: 2q24.2.
Variant type: single nucleotide variant.
Coding change: c.1627G>T on transcript NM_022168.4 (MANE Select); coding-DNA position 1627, G replaced by T.
Protein change: p.Asp543Tyr; replaces aspartic acid 543 with tyrosine.
Molecular consequence: missense variant.
Genome position (GRCh38, 1-based): chr2:162,280,010, C>A on the plus strand (G>T on the coding strand, the complement: IFIH1 is on the minus strand). VCF-style: chr2-162280010-C-A. GRCh37 (hg19) VCF-style: chr2-163136520-C-A.
Other names: short protein forms D543Y.
Identifiers: ClinVar variation 2002276 (VCV002002276.4), dbSNP rs1682777054, ClinGen allele CA349000973.